The following is an entry in ClinVar:

NM_000117.3(EMD):c.406G>A (p.Asp136Asn)

Gene: EMD (emerin; plus strand). Cytogenetic location: Xq28.
Variant type: single nucleotide variant.
Coding change: c.406G>A on transcript NM_000117.3 (MANE Select); coding-DNA position 406, G replaced by A.
Protein change: p.Asp136Asn; replaces aspartic acid 136 with asparagine.
Molecular consequence: missense variant.
Genome position (GRCh38, 1-based): chrX:154,380,759, G>A. VCF-style: chrX-154380759-G-A. GRCh37 (hg19) VCF-style: chrX-153609119-G-A.
Other names: short protein forms D136N.
Identifiers: ClinVar variation 1501345 (VCV001501345.4), dbSNP rs869025401, ClinGen allele CA415258161.

ClinVar aggregate classification (germline): Uncertain significance (1 of 4 stars; one submission).

Conditions:
X-linked Emery-Dreifuss muscular dystrophy. Also called: Muscular dystrophy, tardive Emery-Dreifuss type, with contractures. Identifiers: Orphanet 261, Orphanet 98863, MedGen C0751337, MONDO:0010680.

Submission:

Labcorp Genetics (formerly Invitae), Labcorp
Classification: Uncertain significance for X-linked Emery-Dreifuss muscular dystrophy. Last evaluated: 2026-01-25. Review status: criteria provided, single submitter. Criteria: Invitae Variant Classification Sherloc (09022015). Collection method: clinical testing. Allele origin: germline.
Comment: This sequence change replaces aspartic acid, which is acidic and polar, with asparagine, which is neutral and polar, at codon 136 of the EMD protein (p.Asp136Asn). This variant is not present in population databases (gnomAD no frequency). This variant has not been reported in the literature in individuals affected with EMD-related conditions. ClinVar contains an entry for this variant (Variation ID: 1501345). Invitae Evidence Modeling of protein sequence and biophysical properties (such as structural, functional, and spatial information, amino acid conservation, physicochemical variation, residue mobility, and thermodynamic stability) indicates that this missense variant is not expected to disrupt EMD protein function with a negative predictive value of 80%. In summary, the available evidence is currently insufficient to determine the role of this variant in disease. Therefore, it has been classified as a Variant of Uncertain Significance.